The following is an entry in ClinVar:

ClinVar aggregate classification (germline): Uncertain significance. Review status: criteria provided, multiple submitters, no conflicts (2 of 4 stars). 4 submissions from 4 submitters: Uncertain significance (3). 1 of the submissions does not count toward it. Last evaluated 2026-08-03.

Conditions:
Inborn genetic diseases. Identifiers: MedGen C0950123, MeSH D030342.
Congenital microcephaly - severe encephalopathy - progressive cerebral atrophy syndrome. Also called: ASNS DEFICIENCY; Asparagine synthetase deficiency. Identifiers: Orphanet 391376, MedGen C3809971, MONDO:0014258, OMIM 615574.

Allele frequency attached by ClinVar (database versions not stated): ExAC 0.00001; gnomAD 0.00003 and 0.00002; TOPMed 0.00002.
gnomAD v4.1: 33 of 1,613,968 alleles (0.002%); highest among the groups gnomAD compares: Admixed American, 0.005%; no homozygotes.

Submissions (4):

GeneDx
Classification: Uncertain significance. Last evaluated: 2026-08-03. Review status: criteria provided, single submitter. Criteria: GeneDx Variant Classification Process June 2021. Collection method: clinical testing. Allele origin: germline.
Comment: Not observed at significant frequency in large population cohorts (gnomAD); In silico analysis suggests that this missense variant does not alter protein structure/function; Has not been previously published as pathogenic or benign to our knowledge

Labcorp Genetics (formerly Invitae), Labcorp
Classification: Uncertain significance. Last evaluated: 2022-07-08. Review status: criteria provided, single submitter. Criteria: Invitae Variant Classification Sherloc (09022015). Collection method: clinical testing. Allele origin: germline.
Comment: This sequence change replaces glutamic acid, which is acidic and polar, with lysine, which is basic and polar, at codon 387 of the ASNS protein (p.Glu387Lys). This variant is present in population databases (rs761319175, gnomAD 0.01%). This variant has not been reported in the literature in individuals affected with ASNS-related conditions. ClinVar contains an entry for this variant (Variation ID: 1213039). Algorithms developed to predict the effect of missense changes on protein structure and function (SIFT, PolyPhen-2, Align-GVGD) all suggest that this variant is likely to be tolerated. In summary, the available evidence is currently insufficient to determine the role of this variant in disease. Therefore, it has been classified as a Variant of Uncertain Significance.

Ambry Genetics
Classification: Uncertain significance for Inborn genetic diseases. Last evaluated: 2022-05-04. Review status: criteria provided, single submitter. Criteria: Ambry Variant Classification Scheme 2023. Collection method: clinical testing. Allele origin: germline.

Natera, Inc.
Classification: Uncertain significance for Asparagine synthetase deficiency. Last evaluated: 2020-04-15. Review status: no assertion criteria provided. Collection method: clinical testing. Allele origin: germline. Not counted in ClinVar's aggregate classification.

NM_001673.5(ASNS):c.1159G>A (p.Glu387Lys)

Genes: ASNS (asparagine synthetase (glutamine-hydrolyzing); minus strand), CZ1P-ASNS (CZ1P-ASNS readthrough; minus strand). Cytogenetic location: 7q21.3.
Variant type: single nucleotide variant.
Coding change: c.1159G>A on transcript NM_001673.5 (MANE Select); coding-DNA position 1159, G replaced by A.
Protein change: p.Glu387Lys; replaces glutamic acid 387 with lysine.
Molecular consequence: missense variant. On other transcripts: non-coding transcript variant (1).
Genome position (GRCh38, 1-based): chr7:97,854,659, C>T on the plus strand (G>A on the coding strand, the complement: ASNS is on the minus strand). VCF-style: chr7-97854659-C-T. GRCh37 (hg19) VCF-style: chr7-97483971-C-T.
Other names: c.1096G>A, p.Glu366Lys (NM_001178075.2); c.910G>A, p.Glu304Lys (NM_001178076.2, NM_001178077.1); c.1159G>A, p.Glu387Lys (NM_001352496.2, NM_133436.3, NM_183356.4); short protein forms E304K, E366K, E387K.
Identifiers: ClinVar variation 1213039 (VCV001213039.9), dbSNP rs761319175, ClinGen allele CA4354577.